The following is an entry in ClinVar:

NM_000342.4(SLC4A1):c.486-4G>A

Gene: SLC4A1 (solute carrier family 4 member 1 (Diego blood group); minus strand). Cytogenetic location: 17q21.31.
Variant type: single nucleotide variant.
Coding change: c.486-4G>A on transcript NM_000342.4 (MANE Select); 4 bases into the intron before coding-DNA position 486, G replaced by A.
Molecular consequence: intron variant.
Genome position (GRCh38, 1-based): chr17:44,259,936, C>T on the plus strand (G>A on the coding strand, the complement: SLC4A1 is on the minus strand). VCF-style: chr17-44259936-C-T. GRCh37 (hg19) VCF-style: chr17-42337304-C-T.
Identifiers: ClinVar variation 2810447 (VCV002810447.3), dbSNP rs2509969862, ClinGen allele CA2739267574.

ClinVar aggregate classification (germline): Uncertain significance (1 of 4 stars; one submission).

Submission:

Labcorp Genetics (formerly Invitae), Labcorp
Classification: Uncertain significance. Last evaluated: 2022-11-14. Review status: criteria provided, single submitter. Criteria: Invitae Variant Classification Sherloc (09022015). Collection method: clinical testing. Allele origin: germline.
Comment: This sequence change falls in intron 6 of the SLC4A1 gene. It does not directly change the encoded amino acid sequence of the SLC4A1 protein. This variant is not present in population databases (gnomAD no frequency). This variant has not been reported in the literature in individuals affected with SLC4A1-related conditions. Algorithms developed to predict the effect of sequence changes on RNA splicing suggest that this variant may disrupt the consensus splice site. In summary, the available evidence is currently insufficient to determine the role of this variant in disease. Therefore, it has been classified as a Variant of Uncertain Significance.